The following is an entry in ClinVar:

ClinVar aggregate classification (germline): Likely benign (1 of 4 stars; one submission).

Allele frequency attached by ClinVar (database versions not stated): gnomAD 0.00001; ExAC 0.00014.
gnomAD v4.1: 64 of 1,608,140 alleles (0.004%); highest among the groups gnomAD compares: South Asian, 0.069%; no homozygotes.

Submission:

CeGaT Center for Human Genetics Tuebingen
Classification: Likely benign. Last evaluated: 2023-03-01. Review status: criteria provided, single submitter. Criteria: CeGaT Center For Human Genetics Tuebingen Variant Classification Criteria Version 2. Collection method: clinical testing. Allele origin: germline. Affected: yes. Observed: 1 variant allele.
Comment: LAMA1: BP4, BP7

NM_005559.4(LAMA1):c.3663G>A (p.Leu1221=)

Gene: LAMA1 (laminin subunit alpha 1; minus strand). Cytogenetic location: 18p11.31.
Variant type: single nucleotide variant.
Coding change: c.3663G>A on transcript NM_005559.4 (MANE Select); coding-DNA position 3663, G replaced by A.
Protein change: p.Leu1221=; no amino-acid change (leucine 1221 retained).
Molecular consequence: synonymous variant.
Genome position (GRCh38, 1-based): chr18:7,011,324, C>T on the plus strand (G>A on the coding strand, the complement: LAMA1 is on the minus strand). VCF-style: chr18-7011324-C-T. GRCh37 (hg19) VCF-style: chr18-7011323-C-T.
Identifiers: ClinVar variation 2648548 (VCV002648548.24), dbSNP rs764351708, ClinGen allele CA8882204.